The following is an entry in ClinVar:

NM_017807.4(OSGEP):c.496C>T (p.Arg166Ter)

Gene: OSGEP (O-sialoglycoprotein endopeptidase; minus strand). Cytogenetic location: 14q11.2.
Variant type: single nucleotide variant.
Coding change: c.496C>T on transcript NM_017807.4 (MANE Select); coding-DNA position 496, C replaced by T.
Protein change: p.Arg166Ter; replaces arginine 166 with a stop codon.
Molecular consequence: nonsense.
Genome position (GRCh38, 1-based): chr14:20,449,182, G>A on the plus strand (C>T on the coding strand, the complement: OSGEP is on the minus strand). VCF-style: chr14-20449182-G-A. GRCh37 (hg19) VCF-style: chr14-20917341-G-A.
Other names: short protein forms R166*.
Identifiers: ClinVar variation 3629270 (VCV003629270.2).

ClinVar aggregate classification (germline): Pathogenic (1 of 4 stars; one submission).

Submission:

Labcorp Genetics (formerly Invitae), Labcorp
Classification: Pathogenic. Last evaluated: 2025-06-04. Review status: criteria provided, single submitter. Criteria: Invitae Variant Classification Sherloc (09022015). Collection method: clinical testing. Allele origin: germline.
Comment: This sequence change creates a premature translational stop signal (p.Arg166*) in the OSGEP gene. It is expected to result in an absent or disrupted protein product. Loss-of-function variants in OSGEP are known to be pathogenic (PMID: 28805828, 34666032). This variant is present in population databases (no rsID available, gnomAD 0.007%). This premature translational stop signal has been observed in individual(s) with Galloway-Mowat syndrome (internal data). ClinVar contains an entry for this variant (Variation ID: 3629270). For these reasons, this variant has been classified as Pathogenic.

Literature cited by the submitters: PubMed 28805828; PubMed 34666032.